The following is an entry in ClinVar:

NM_020442.6(VARS2):c.608G>T (p.Gly203Val)

Gene: VARS2 (valyl-tRNA synthetase 2, mitochondrial; plus strand). Cytogenetic location: 6p21.33.
Variant type: single nucleotide variant.
Coding change: c.608G>T on transcript NM_020442.6 (MANE Select); coding-DNA position 608, G replaced by T.
Protein change: p.Gly203Val; replaces glycine 203 with valine.
Molecular consequence: missense variant.
Genome position (GRCh38, 1-based): chr6:30,916,186, G>T. VCF-style: chr6-30916186-G-T. GRCh37 (hg19) VCF-style: chr6-30883963-G-T.
Other names: c.188G>T, p.Gly63Val (NM_001167733.3); c.698G>T, p.Gly233Val (NM_001167734.2); short protein forms G233V, G203V, G63V.
Identifiers: ClinVar variation 2977579 (VCV002977579.3), dbSNP rs745703050, ClinGen allele CA3705667.

ClinVar aggregate classification (germline): Uncertain significance (1 of 4 stars; one submission).

Allele frequency attached by ClinVar (database versions not stated): ExAC 0.00002; TOPMed 0.00002; gnomAD 0.00003; gnomAD exomes 0.00003.
gnomAD v4.1: 46 of 1,613,916 alleles (0.0029%); highest among the groups gnomAD compares: Non-Finnish European, 0.0038%; no homozygotes.

Submissions (2):

Labcorp Genetics (formerly Invitae), Labcorp
Classification: Uncertain significance. Last evaluated: 2024-02-23. Review status: criteria provided, single submitter. Criteria: Invitae Variant Classification Sherloc (09022015). Collection method: clinical testing. Allele origin: germline.
Comment: This sequence change replaces glycine, which is neutral and non-polar, with valine, which is neutral and non-polar, at codon 233 of the VARS2 protein (p.Gly233Val). This variant is present in population databases (rs745703050, gnomAD 0.004%). This variant has not been reported in the literature in individuals affected with VARS2-related conditions. Advanced modeling of protein sequence and biophysical properties (such as structural, functional, and spatial information, amino acid conservation, physicochemical variation, residue mobility, and thermodynamic stability) performed at Invitae indicates that this missense variant is expected to disrupt VARS2 protein function with a positive predictive value of 80%. In summary, the available evidence is currently insufficient to determine the role of this variant in disease. Therefore, it has been classified as a Variant of Uncertain Significance.

Dr. Peter K. Rogan Lab, Western University
No classification provided (evidence only). Condition: Familial cancer of breast. Review status: no classification provided. Collection method: in vitro. Allele origin: not applicable. Functional consequence: retained intron. Not counted in ClinVar's aggregate classification.